The following is an entry in ClinVar:

NM_000843.4(GRM6):c.153C>T (p.Gly51=)

Gene: GRM6 (glutamate metabotropic receptor 6; minus strand). Cytogenetic location: 5q35.3.
Variant type: single nucleotide variant.
Coding change: c.153C>T on transcript NM_000843.4 (MANE Select); coding-DNA position 153, C replaced by T.
Protein change: p.Gly51=; no amino-acid change (glycine 51 retained).
Molecular consequence: synonymous variant.
Genome position (GRCh38, 1-based): chr5:178,994,792, G>A on the plus strand (C>T on the coding strand, the complement: GRM6 is on the minus strand). VCF-style: chr5-178994792-G-A. GRCh37 (hg19) VCF-style: chr5-178421793-G-A.
Other names: c.153C>T (NM_000843.3).
Identifiers: ClinVar variation 1386140 (VCV001386140.9), dbSNP rs1399732883, ClinGen allele CA448376260.

ClinVar aggregate classification (germline): Likely benign. Review status: criteria provided, multiple submitters, no conflicts (2 of 4 stars). 3 submissions from 3 submitters: Likely benign (2). 1 of the submissions does not count toward it. Last evaluated 2025-04-28.

Conditions:
GRM6-related disorder. Also called: GRM6-related condition.

Allele frequency attached by ClinVar (database versions not stated): gnomAD 0.00002; TOPMed 0.00002.
gnomAD v4.1: 90 of 1,317,578 alleles (0.0068%); highest among the groups gnomAD compares: Non-Finnish European, 0.0082%; no homozygotes.

Submissions (3):

Labcorp Genetics (formerly Invitae), Labcorp
Classification: Likely benign. Last evaluated: 2025-04-28. Review status: criteria provided, single submitter. Criteria: Invitae Variant Classification Sherloc (09022015). Collection method: clinical testing. Allele origin: germline.

Blueprint Genetics
Classification: Likely benign. Last evaluated: 2023-04-18. Review status: criteria provided, single submitter. Criteria: ACMG Guidelines, 2015. Collection method: clinical testing. Allele origin: germline.

PreventionGenetics, part of Exact Sciences
Classification: Likely benign for GRM6-related condition. Last evaluated: 2019-11-15. Review status: no assertion criteria provided. Collection method: clinical testing. Allele origin: germline. Not counted in ClinVar's aggregate classification.
Comment: This variant is classified as likely benign based on ACMG/AMP sequence variant interpretation guidelines (Richards et al. 2015 PMID: 25741868, with internal and published modifications).